The following is an entry in ClinVar:

NM_001330177.2(PCNX4):c.1924A>G (p.Met642Val)

Gene: PCNX4 (pecanex 4; plus strand). Cytogenetic location: 14q23.1.
Variant type: single nucleotide variant.
Coding change: c.1924A>G on transcript NM_001330177.2 (MANE Select); coding-DNA position 1924, A replaced by G.
Protein change: p.Met642Val; replaces methionine 642 with valine.
Molecular consequence: missense variant.
Genome position (GRCh38, 1-based): chr14:60,118,674, A>G. VCF-style: chr14-60118674-A-G. GRCh37 (hg19) VCF-style: chr14-60585392-A-G.
Other names: c.1222A>G, p.Met408Val (NM_022495.5); short protein forms M408V, M642V.
Identifiers: ClinVar variation 5041890 (VCV005041890.1).
Genomic context (GRCh38, chr14:60,118,674, plus strand): 5'-GCAGATACAGTGTACTACTACCAAATGGTGCCCAGGTTGACTGCTGTACTGCAGACTGCA[A>G]TGGCAGCTGGAAGTTTAGGTAAGTAAATGGGTTGTGCTCAAGAATTTCTCACTAATGTAT-3'
Protein context (NP_001317106.1, residues 632-652): PRLTAVLQTA[Met642Val]AAGSLGLLLP

ClinVar aggregate classification (germline): Likely benign (1 of 4 stars; one submission).

gnomAD v4.1: 48 of 1,578,456 alleles (0.003%); highest among the groups gnomAD compares: African/African-American, 0.042%; no homozygotes.

Submission:

CeGaT Center for Human Genetics Tuebingen
Classification: Likely benign. Last evaluated: 2026-07-01. Review status: criteria provided, single submitter. Criteria: CeGaT Center For Human Genetics Tuebingen Variant Classification Criteria Version 2. Collection method: clinical testing. Allele origin: germline. Affected: yes. Observed: 1 variant allele.
Comment: PCNX4: BP4